The following is an entry in ClinVar:

ClinVar aggregate classification (germline): Uncertain significance (1 of 4 stars; one submission).

Conditions:
Developmental delay with or without intellectual impairment or behavioral abnormalities. Identifiers: MedGen C5562004, MONDO:0859199, OMIM 619575.

Submission:

Institute of Human Genetics, University of Leipzig Medical Center
Classification: Uncertain significance for Developmental delay with or without intellectual impairment or behavioral abnormalities. Last evaluated: 2026-06-02. Review status: criteria provided, single submitter. Criteria: ACMG Guidelines, 2015. Collection method: clinical testing. Allele origin: unknown. Inheritance: Autosomal dominant inheritance. Affected: yes.
Comment: Criteria applied: PM2,PP3

NM_020791.4(TAOK1):c.563+3_563+10del

Gene: TAOK1 (TAO kinase 1; plus strand). Cytogenetic location: 17q11.2.
Variant type: Deletion.
Coding change: c.563+3_563+10del on transcript NM_020791.4 (MANE Select); bases 3 to 10 of the intron after coding-DNA position 563, 8 bases deleted (AAGAATAG; older notation c.563+3_563+10delAAGAATAG).
Molecular consequence: intron variant.
Genome position (GRCh38, 1-based): chr17:29,480,484-29,480,491, AAGAATAG deleted. VCF-style (leftmost placement, unchanged base first): chr17-29480483-TAAGAATAG-T. GRCh37 (hg19) VCF-style: chr17-27807501-TAAGAATAG-T.
Other names: c.563+3_563+10del (NM_025142.1).
Identifiers: ClinVar variation 4879428 (VCV004879428.1).
Genomic context (GRCh38, chr17:29,480,483, plus strand): 5'-GACTTTGGCTCTGCTTCCATGGCATCACCTGCCAATTCCTTTGTGGGAACGCCGTATTGG[TAAGAATAG>T]TTAAAGCAGTCAGCAGCTGTTTTAAGTGTCTGTCTATGTTTAACATGAAATACAAATGAA-3'